The following is an entry in ClinVar:

NM_030653.4(DDX11):c.*59A>G

Gene: DDX11 (DEAD/H-box helicase 11; plus strand). Cytogenetic location: 12p11.21.
Variant type: single nucleotide variant.
Coding change: c.*59A>G on transcript NM_030653.4 (MANE Select); 59 bases downstream of the stop codon, A replaced by G.
Molecular consequence: 3 prime UTR variant. On other transcripts: synonymous variant (6), non-coding transcript variant (4).
Genome position (GRCh38, 1-based): chr12:31,103,895, A>G. VCF-style: chr12-31103895-A-G. GRCh37 (hg19) VCF-style: chr12-31256829-A-G.
Other names: c.2775A>G, p.Thr925= (NM_001257144.2, NM_001413695.1, NM_001413696.1 and 1 more transcripts); c.*59A>G (NM_001257145.2, NM_001413692.1, NM_001413693.1 and 9 more transcripts); c.2697A>G, p.Thr899= (NM_001413699.1); c.1914A>G, p.Thr638= (NM_001413704.1).
Identifiers: ClinVar variation 4873733 (VCV004873733.3).
Genomic context (GRCh38, chr12:31,103,895, plus strand): 5'-GATGGGCAACCACACCACTGCCTGGCGCCGTGCCCTTCCTTTGTCCTGCCCGCTGGAGAC[A>G]GTGTTTGTCGTGGGCGTGGTCTGCGGGGATCCTGTTACAAAGGTGAAACCCAGGAGGAGA-3'

ClinVar aggregate classification (germline): Likely benign. Review status: criteria provided, multiple submitters, no conflicts (2 of 4 stars). 2 submissions from 2 submitters: Likely benign (2). Last evaluated 2026-06-01.

gnomAD v4.1: 157 of 1,613,810 alleles (0.0097%); highest among the groups gnomAD compares: Non-Finnish European, 0.012%; no homozygotes.

Submissions (2):

CeGaT Center for Human Genetics Tuebingen
Classification: Likely benign. Last evaluated: 2026-06-01. Review status: criteria provided, single submitter. Criteria: CeGaT Center For Human Genetics Tuebingen Variant Classification Criteria Version 2. Collection method: clinical testing. Allele origin: germline. Affected: yes. Observed: 1 variant allele.
Comment: DDX11: BP4, BP7

Blueprint Genetics
Classification: Likely benign. Last evaluated: 2024-11-07. Review status: criteria provided, single submitter. Criteria: ACMG Guidelines, 2015. Collection method: clinical testing. Allele origin: germline.